The following is an entry in ClinVar:

ClinVar aggregate classification (germline): Uncertain significance. Review status: criteria provided, multiple submitters, no conflicts (2 of 4 stars). 2 submissions from 2 submitters: Uncertain significance (2). Last evaluated 2022-02-23.

Conditions:
Wiskott-Aldrich syndrome 2 (WAS2). Also called: WIPF1 DEFICIENCY. Identifiers: Orphanet 906, MedGen C3281001, MONDO:0013779, OMIM 614493.

Allele frequency attached by ClinVar (database versions not stated): TOPMed 0.00002.
gnomAD v4.1: 23 of 1,613,992 alleles (0.0014%); highest among the groups gnomAD compares: East Asian, 0.022%; no homozygotes.

Submissions (2):

Labcorp Genetics (formerly Invitae), Labcorp
Classification: Uncertain significance for Wiskott-Aldrich syndrome 2. Last evaluated: 2022-02-23. Review status: criteria provided, single submitter. Criteria: Invitae Variant Classification Sherloc (09022015). Collection method: clinical testing. Allele origin: germline.
Comment: This variant has not been reported in the literature in individuals affected with WIPF1-related conditions. This variant is not present in population databases (gnomAD no frequency). This sequence change replaces proline, which is neutral and non-polar, with arginine, which is basic and polar, at codon 399 of the WIPF1 protein (p.Pro399Arg). Algorithms developed to predict the effect of missense changes on protein structure and function are either unavailable or do not agree on the potential impact of this missense change (SIFT: "Not Available"; PolyPhen-2: "Probably Damaging"; Align-GVGD: "Not Available"). In summary, the available evidence is currently insufficient to determine the role of this variant in disease. Therefore, it has been classified as a Variant of Uncertain Significance. Algorithms developed to predict the effect of sequence changes on RNA splicing suggest that this variant may create or strengthen a splice site.

Blueprint Genetics
Classification: Uncertain significance. Last evaluated: 2020-02-14. Review status: criteria provided, single submitter. Criteria: ACMG Guidelines, 2015. Collection method: clinical testing. Allele origin: germline.

NM_001375834.1(WIPF1):c.1196C>G (p.Pro399Arg)

Gene: WIPF1 (WAS/WASL interacting protein family member 1; minus strand). Cytogenetic location: 2q31.1.
Variant type: single nucleotide variant.
Coding change: c.1196C>G on transcript NM_001375834.1 (MANE Select); coding-DNA position 1196, C replaced by G.
Protein change: p.Pro399Arg; replaces proline 399 with arginine.
Molecular consequence: missense variant.
Genome position (GRCh38, 1-based): chr2:174,568,007, G>C on the plus strand (C>G on the coding strand, the complement: WIPF1 is on the minus strand). VCF-style: chr2-174568007-G-C. GRCh37 (hg19) VCF-style: chr2-175432735-G-C.
Other names: c.1196C>G, p.Pro399Arg (NM_001077269.1, NM_001375832.1, NM_001375833.1 and 2 more transcripts); c.818C>G, p.Pro273Arg (NM_001375839.1); short protein forms P273R, P399R.
Identifiers: ClinVar variation 1431031 (VCV001431031.7), dbSNP rs1684716723, ClinGen allele CA349337179.